The following is an entry in ClinVar:

ClinVar aggregate classification (germline): Benign/Likely benign. Review status: criteria provided, multiple submitters, no conflicts (2 of 4 stars). 21 submissions from 21 submitters: Benign (6); Likely benign (10). 5 of the submissions do not count toward it. Last evaluated 2026-02-03.

Conditions:
Charcot-Marie-Tooth disease. Also called: Charcot-Marie-Tooth Hereditary Neuropathy; Charcot-Marie-Tooth Neuropathy. Identifiers: Orphanet 166, MedGen C0007959, MONDO:0015626.
Cardiovascular phenotype. Identifiers: MedGen CN230736.
Charcot-Marie-Tooth disease type 2. Also called: Charcot-Marie-Tooth type 2. Identifiers: Orphanet 64746, MedGen C0270914, MONDO:0018993.
Cardiomyopathy (CMYO). Also called: Cardiomyopathies. Identifiers: Orphanet 167848, MedGen C0878544, MONDO:0004994, HP:0001638. Inheritance: Various modes of inheritance.
Primary dilated cardiomyopathy (DCM). Also called: Dilated Cardiomyopathy. Identifiers: Orphanet 217604, MedGen C0007193, MeSH D002311, MONDO:0005021, HP:0001644. Inheritance: Various modes of inheritance.

Allele frequency attached by ClinVar (database versions not stated): TOPMed 0.00036; 1000 Genomes Project 30x 0.00422; 1000 Genomes Project 0.00479; ESP Exome Variant Server 0.00023; gnomAD 0.00048.

Submissions (21):

Labcorp Genetics (formerly Invitae), Labcorp
Classification: Benign for Charcot-Marie-Tooth disease type 2. Last evaluated: 2026-02-03. Review status: criteria provided, single submitter. Criteria: Invitae Variant Classification Sherloc (09022015). Collection method: clinical testing. Allele origin: germline.

Mayo Clinic Laboratories, Mayo Clinic
Classification: Likely benign. Last evaluated: 2025-04-15. Review status: criteria provided, single submitter. Criteria: ACMG Guidelines, 2015. Collection method: clinical testing. Allele origin: germline. Observed: 2 variant alleles.
Comment: BS1, BP4, BP7

Molecular Diagnostic Laboratory for Inherited Cardiovascular Disease, Montreal Heart Institute
Classification: Likely benign. Last evaluated: 2025-04-09. Review status: criteria provided, single submitter. Criteria: ACMG Guidelines, 2015. Collection method: clinical testing. Allele origin: germline. Affected: no.

Blueprint Genetics
Classification: Likely benign. Last evaluated: 2024-11-11. Review status: criteria provided, single submitter. Criteria: ACMG Guidelines, 2015. Collection method: clinical testing. Allele origin: germline.

All of Us Research Program, National Institutes of Health
Classification: Benign for Primary dilated cardiomyopathy. Last evaluated: 2024-02-05. Review status: criteria provided, single submitter. Criteria: ACMG Guidelines, 2015. Collection method: clinical testing. Allele origin: germline. Inheritance: Autosomal dominant inheritance. Observed: 60 variant alleles, 60 heterozygotes.
Comment: This study involves interpretation of variants in research participants for the purpose of population health screening. Participant phenotype was not available at the time of variant classification. Additional details can be found in publication PMID: 35346344, PMCID: PMC8962531

CeGaT Center for Human Genetics Tuebingen
Classification: Likely benign. Last evaluated: 2022-11-01. Review status: criteria provided, single submitter. Criteria: CeGaT Center For Human Genetics Tuebingen Variant Classification Criteria Version 2. Collection method: clinical testing. Allele origin: germline. Affected: yes. Observed: 1 variant allele.
Comment: LMNA: BP4, BP7

Athena Diagnostics
Classification: Benign. Last evaluated: 2020-02-04. Review status: criteria provided, single submitter. Criteria: Athena Diagnostics Criteria. Collection method: clinical testing. Allele origin: unknown.

Color Diagnostics, LLC DBA Color Health
Classification: Benign for Cardiomyopathy. Last evaluated: 2018-07-22. Review status: criteria provided, single submitter. Criteria: ACMG Guidelines, 2015. Collection method: clinical testing. Allele origin: germline.

CHEO Genetics Diagnostic Laboratory, Children's Hospital of Eastern Ontario
Classification: Benign for Cardiomyopathy. Last evaluated: 2017-11-03. Review status: criteria provided, single submitter. Criteria: ACMG Guidelines, 2015. Collection method: clinical testing. Allele origin: germline.

Ambry Genetics
Classification: Likely benign for Cardiovascular phenotype. Last evaluated: 2017-04-07. Review status: criteria provided, single submitter. Criteria: Ambry Variant Classification Scheme 2023. Collection method: clinical testing. Allele origin: germline.

Eurofins Ntd Llc (ga)
Classification: Likely benign. Last evaluated: 2016-08-29. Review status: criteria provided, single submitter. Criteria: EGL Classification Definitions 2015. Collection method: clinical testing. Allele origin: germline. Observed: 2 variant alleles, 2 heterozygotes.

GeneDx
Classification: Benign. Last evaluated: 2015-03-03. Review status: criteria provided, single submitter. Criteria: GeneDx Variant Classification Process June 2021. Collection method: clinical testing. Allele origin: germline. Affected: yes.

Laboratory for Molecular Medicine, Mass General Brigham Personalized Medicine
Classification: Likely benign. Last evaluated: 2012-01-05. Review status: criteria provided, single submitter. Criteria: LMM Criteria. Collection method: clinical testing. Allele origin: germline. Observed: 1 variant allele.
Comment: Phe637Phe in exon 11 of LMNA: This variant is not expected to have clinical sign ificance because it does not alter an amino acid residue and is not located with in the splice consensus sequence. This variant has been identified in 0.3% (7/23 34) of chromosomes from a broad, though clinically and racially unspecified popu lation (dbSNP rs117939448) and in 3/3738 African American chromosomes in a borad and clinically unspecified cohort. Phe637Ph e in exon 11 of LMNA (rs117939448; 0.3%, 7/2334)

Breakthrough Genomics
Classification: Likely benign. Review status: criteria provided, single submitter. Criteria: ACMG Guidelines, 2015. Collection method: not provided. Allele origin: germline. Inheritance: Autosomal recessive inheritance. Affected: yes.

Molecular Genetics Laboratory, London Health Sciences Centre
Classification: Likely benign for Charcot-Marie-Tooth disease. Review status: criteria provided, single submitter. Criteria: ACMG Guidelines, 2015. Collection method: clinical testing. Allele origin: germline. Affected: yes.

PreventionGenetics, part of Exact Sciences
Classification: Likely benign. Review status: criteria provided, single submitter. Criteria: ACMG Guidelines, 2015. Collection method: clinical testing. Allele origin: germline.

Clinical Genetics, Academic Medical Center
Classification: Benign. Review status: no assertion criteria provided. Collection method: clinical testing. Allele origin: germline. Affected: yes. Study: VKGL Data-share Consensus. Not counted in ClinVar's aggregate classification.

Diagnostic Laboratory, Department of Genetics, University Medical Center Groningen
Classification: Likely benign. Review status: no assertion criteria provided. Collection method: clinical testing. Allele origin: germline. Affected: yes. Study: VKGL Data-share Consensus. Not counted in ClinVar's aggregate classification.

Genome Diagnostics Laboratory, University Medical Center Utrecht
Classification: Likely benign. Review status: no assertion criteria provided. Collection method: clinical testing. Allele origin: germline. Affected: yes. Study: VKGL Data-share Consensus. Not counted in ClinVar's aggregate classification.

Joint Genome Diagnostic Labs from Nijmegen and Maastricht, Radboudumc and MUMC+
Classification: Likely benign. Review status: no assertion criteria provided. Collection method: clinical testing. Allele origin: germline. Affected: yes. Study: VKGL Data-share Consensus. Not counted in ClinVar's aggregate classification.

Laboratory of Diagnostic Genome Analysis, Leiden University Medical Center (LUMC)
Classification: Likely benign. Review status: no assertion criteria provided. Collection method: clinical testing. Allele origin: germline. Affected: yes. Study: VKGL Data-share Consensus. Not counted in ClinVar's aggregate classification.

Literature cited by the submitters: PubMed 27841901 (cited by Mayo Clinic Laboratories, Mayo Clinic and Athena Diagnostics).

NM_170707.4(LMNA):c.1911C>T (p.Phe637=)

Gene: LMNA (lamin A/C; plus strand). Cytogenetic location: 1q22.
Variant type: single nucleotide variant.
Coding change: c.1911C>T on transcript NM_170707.4 (MANE Select); coding-DNA position 1911, C replaced by T.
Protein change: p.Phe637=; no amino-acid change (phenylalanine 637 retained).
Molecular consequence: synonymous variant. On other transcripts: intron variant (1).
Genome position (GRCh38, 1-based): chr1:156,138,700, C>T. VCF-style: chr1-156138700-C-T. GRCh37 (hg19) VCF-style: chr1-156108491-C-T.
Other names: p.Phe637=; c.1668C>T, p.Phe556= (NM_001406986.1, NM_001406987.1); c.1614C>T, p.Phe538= (NM_001406988.1); c.1575C>T, p.Phe525= (NM_001406989.1, NM_001257374.3); c.1353C>T, p.Phe451= (NM_001406990.1, NM_001406993.1, NM_001406995.1 and 2 more transcripts); c.1911C>T, p.Phe637= (NM_001406991.1, NM_001406983.1, NM_001406985.1); c.1287C>T, p.Phe429= (NM_001406994.1, NM_001406999.1, NM_001407000.1 and 1 more transcripts); c.1821C>T, p.Phe607= (NM_170708.4); and 1 more.
Identifiers: ClinVar variation 48055 (VCV000048055.103), dbSNP rs117939448, ClinGen allele CA015337.